The following is an entry in ClinVar:

NM_206933.4(USH2A):c.3696G>T (p.Leu1232Phe)

Genes: USH2A (usherin; minus strand), USH2A-AS1 (USH2A antisense RNA 1; plus strand). Cytogenetic location: 1q41.
Variant type: single nucleotide variant.
Coding change: c.3696G>T on transcript NM_206933.4 (MANE Select); coding-DNA position 3696, G replaced by T.
Protein change: p.Leu1232Phe; replaces leucine 1232 with phenylalanine.
Molecular consequence: missense variant.
Genome position (GRCh38, 1-based): chr1:216,199,742, C>A on the plus strand (G>T on the coding strand, the complement: USH2A is on the minus strand). VCF-style: chr1-216199742-C-A. GRCh37 (hg19) VCF-style: chr1-216373084-C-A.
Other names: c.3696G>T, p.Leu1232Phe (NM_007123.6); short protein forms L1232F.
Identifiers: ClinVar variation 3369214 (VCV003369214.1).

ClinVar aggregate classification (germline): Uncertain significance (1 of 4 stars; one submission).

gnomAD v4.1: 4 of 1,613,950 alleles (0.00025%); highest among the groups gnomAD compares: African/African-American, 0.004%; no homozygotes.

Submission:

GeneDx
Classification: Uncertain significance. Last evaluated: 2024-02-15. Review status: criteria provided, single submitter. Criteria: GeneDx Variant Classification Process June 2021. Collection method: clinical testing. Allele origin: germline. Affected: yes.
Comment: In silico analysis supports that this missense variant does not alter protein structure/function; Has not been previously published as pathogenic or benign to our knowledge